The following is an entry in ClinVar:

NM_024675.4(PALB2):c.502T>G (p.Ser168Ala)

Gene: PALB2 (partner and localizer of BRCA2; minus strand). Cytogenetic location: 16p12.2.
Variant type: single nucleotide variant.
Coding change: c.502T>G on transcript NM_024675.4 (MANE Select); coding-DNA position 502, T replaced by G.
Protein change: p.Ser168Ala; replaces serine 168 with alanine.
Molecular consequence: missense variant.
Genome position (GRCh38, 1-based): chr16:23,636,044, A>C on the plus strand (T>G on the coding strand, the complement: PALB2 is on the minus strand). VCF-style: chr16-23636044-A-C. GRCh37 (hg19) VCF-style: chr16-23647365-A-C.
Other names: short protein forms S168A.
Identifiers: ClinVar variation 1053479 (VCV001053479.11), dbSNP rs2142441892, ClinGen allele CA395137034.

ClinVar aggregate classification (germline): Uncertain significance (1 of 4 stars; one submission).

Conditions:
Familial cancer of breast. Also called: BREAST CANCER, FAMILIAL; Hereditary breast cancer; hereditary breast carcinoma. Identifiers: Orphanet 227535, MedGen C0346153, MONDO:0016419, OMIM 114480. Disease mechanism: loss of function.

Submission:

Labcorp Genetics (formerly Invitae), Labcorp
Classification: Uncertain significance for Familial cancer of breast. Last evaluated: 2022-02-20. Review status: criteria provided, single submitter. Criteria: Invitae Variant Classification Sherloc (09022015). Collection method: clinical testing. Allele origin: germline.
Comment: In summary, the available evidence is currently insufficient to determine the role of this variant in disease. Therefore, it has been classified as a Variant of Uncertain Significance. Algorithms developed to predict the effect of missense changes on protein structure and function are either unavailable or do not agree on the potential impact of this missense change (SIFT: "Tolerated"; PolyPhen-2: "Possibly Damaging"; Align-GVGD: "Class C0"). ClinVar contains an entry for this variant (Variation ID: 1053479). This variant has not been reported in the literature in individuals affected with PALB2-related conditions. This variant is not present in population databases (gnomAD no frequency). This sequence change replaces serine, which is neutral and polar, with alanine, which is neutral and non-polar, at codon 168 of the PALB2 protein (p.Ser168Ala).